The following is an entry in ClinVar:

NM_031307.4(PUS3):c.476G>A (p.Arg159His)

Genes: HYLS1 (HYLS1 centriolar and ciliogenesis associated; plus strand), PUS3 (pseudouridine synthase 3; minus strand). Cytogenetic location: 11q24.2.
Variant type: single nucleotide variant.
Coding change: c.476G>A on transcript NM_031307.4 (MANE Select); coding-DNA position 476, G replaced by A.
Protein change: p.Arg159His; replaces arginine 159 with histidine.
Molecular consequence: missense variant. On other transcripts: 5 prime UTR variant (1), intron variant (5).
Genome position (GRCh38, 1-based): chr11:125,895,692, C>T on the plus strand (G>A on the coding strand, the complement: PUS3 is on the minus strand). VCF-style: chr11-125895692-C-T. GRCh37 (hg19) VCF-style: chr11-125765587-C-T.
Other names: c.-149G>A (NM_001271985.2); c.-80-3412C>T (NM_145014.3); c.-25-3652C>T (NM_001134793.2, NM_001377269.1); c.-22-3655C>T (NM_001424364.1, NM_001377270.1); short protein forms R159H.
Identifiers: ClinVar variation 2063628 (VCV002063628.4), dbSNP rs113575767, ClinGen allele CA6350506.

ClinVar aggregate classification (germline): Uncertain significance. Review status: criteria provided, multiple submitters, no conflicts (2 of 4 stars). 2 submissions from 2 submitters: Uncertain significance (2). Last evaluated 2023-01-27.

Conditions:
Severe growth deficiency-strabismus-extensive dermal melanocytosis-intellectual disability syndrome (NEDMIGS). Also called: NEURODEVELOPMENTAL DISORDER WITH MICROCEPHALY AND GRAY SCLERAE. Identifiers: Orphanet 488627, MedGen C4310745, MONDO:0014886, OMIM 617051.

Allele frequency attached by ClinVar (database versions not stated): ExAC 0.00025; TOPMed 0.00051; ESP Exome Variant Server 0.00054; gnomAD 0.00054; 1000 Genomes Project 30x 0.00125; 1000 Genomes Project 0.00140.
gnomAD v4.1: 288 of 1,614,106 alleles (0.018%); highest among the groups gnomAD compares: African/African-American, 0.19%; 2 homozygotes.

Submissions (2):

Revvity Omics, Revvity
Classification: Uncertain significance for Severe growth deficiency-strabismus-extensive dermal melanocytosis-intellectual disability syndrome. Last evaluated: 2023-01-27. Review status: criteria provided, single submitter. Criteria: ACMG Guidelines, 2015. Collection method: clinical testing. Allele origin: germline.

Labcorp Genetics (formerly Invitae), Labcorp
Classification: Uncertain significance. Last evaluated: 2022-06-24. Review status: criteria provided, single submitter. Criteria: Invitae Variant Classification Sherloc (09022015). Collection method: clinical testing. Allele origin: germline.
Comment: This sequence change replaces arginine, which is basic and polar, with histidine, which is basic and polar, at codon 159 of the PUS3 protein (p.Arg159His). This variant is present in population databases (rs113575767, gnomAD 0.2%). This variant has not been reported in the literature in individuals affected with PUS3-related conditions. Algorithms developed to predict the effect of missense changes on protein structure and function (SIFT, PolyPhen-2, Align-GVGD) all suggest that this variant is likely to be tolerated. In summary, the available evidence is currently insufficient to determine the role of this variant in disease. Therefore, it has been classified as a Variant of Uncertain Significance.